The following is an entry in ClinVar:

ClinVar aggregate classification (germline): Uncertain significance (1 of 4 stars; one submission).

gnomAD v4.1: 32 of 1,552,622 alleles (0.0021%); highest among the groups gnomAD compares: Non-Finnish European, 0.0025%; no homozygotes.

Submission:

Labcorp Genetics (formerly Invitae), Labcorp
Classification: Uncertain significance. Last evaluated: 2022-04-12. Review status: criteria provided, single submitter. Criteria: Invitae Variant Classification Sherloc (09022015). Collection method: clinical testing. Allele origin: germline.
Comment: This sequence change replaces glycine, which is neutral and non-polar, with arginine, which is basic and polar, at codon 990 of the PTPN23 protein (p.Gly990Arg). This variant is present in population databases (rs529584913, gnomAD 0.004%). This variant has not been reported in the literature in individuals affected with PTPN23-related conditions. Algorithms developed to predict the effect of missense changes on protein structure and function are either unavailable or do not agree on the potential impact of this missense change (SIFT: "Deleterious"; PolyPhen-2: "Not Available"; Align-GVGD: "Class C0"). In summary, the available evidence is currently insufficient to determine the role of this variant in disease. Therefore, it has been classified as a Variant of Uncertain Significance.

NM_015466.4(PTPN23):c.2968G>C (p.Gly990Arg)

Gene: PTPN23 (protein tyrosine phosphatase non-receptor type 23; plus strand). Cytogenetic location: 3p21.31.
Variant type: single nucleotide variant.
Coding change: c.2968G>C on transcript NM_015466.4 (MANE Select); coding-DNA position 2968, G replaced by C.
Protein change: p.Gly990Arg; replaces glycine 990 with arginine.
Molecular consequence: missense variant.
Genome position (GRCh38, 1-based): chr3:47,410,766, G>C. VCF-style: chr3-47410766-G-C. GRCh37 (hg19) VCF-style: chr3-47452256-G-C.
Other names: c.2590G>C, p.Gly864Arg (NM_001304482.2); short protein forms G864R, G990R.
Identifiers: ClinVar variation 1430519 (VCV001430519.5), dbSNP rs529584913, ClinGen allele CA2366158.